The following is an entry in ClinVar:

NM_001267550.2(TTN):c.73735_73738del (p.Trp24578_Lys24579insTer)

Genes: TTN (titin; minus strand), TTN-AS1 (TTN antisense RNA 1; plus strand). Cytogenetic location: 2q31.2.
Variant type: Deletion.
Coding change: c.73735_73738del on transcript NM_001267550.2 (MANE Select); coding-DNA positions 73735 to 73738, 4 bases deleted (AAGG; older notation c.73735_73738delAAGG).
Protein change: p.Trp24578_Lys24579insTer.
Molecular consequence: nonsense.
Genome position (GRCh38, 1-based): chr2:178,572,394-178,572,397, CCTT deleted on the plus strand (AAGG on the coding strand, the reverse complement: TTN is on the minus strand); deleting any 4 consecutive bases within chr2:178,572,394-178,572,399 gives the same sequence; the c. name uses the placement nearest the transcript's 3' end. VCF-style (leftmost placement, unchanged base first): chr2-178572393-ACCTT-A. GRCh37 (hg19) VCF-style: chr2-179437120-ACCTT-A.
Other names: c.68812_68815del, p.Trp22937_Lys22938insTer (NM_001256850.1); c.46540_46543del, p.Trp15513_Lys15514insTer (NM_003319.4); c.66031_66034del, p.Trp22010_Lys22011insTer (NM_133378.4); c.46915_46918del, p.Trp15638_Lys15639insTer (NM_133432.3); c.47116_47119del, p.Trp15705_Lys15706insTer (NM_133437.4).
Identifiers: ClinVar variation 2021199 (VCV002021199.4), dbSNP rs2468535035, ClinGen allele CA2580064777.
Genomic context (GRCh38, chr2:178,572,393, plus strand): 5'-CCATATTCATTTTCTGCGAGAACCCTGAAATAGTAGCTACAGCCTTCTTGAAGCTGGTCT[ACCTT>A]CCAGGAAGTCTTGTGGCAGTTTGTTGCAACAGTTGAATATGCTTTTCTTGTTGATTCCCG-3'

ClinVar aggregate classification (germline): Likely pathogenic (1 of 4 stars; one submission).

Conditions:
Autosomal recessive limb-girdle muscular dystrophy type 2J (LGMDR10). Also called: Limb-girdle muscular dystrophy, type 2J; MUSCULAR DYSTROPHY, LIMB-GIRDLE, AUTOSOMAL RECESSIVE 10. Identifiers: Orphanet 140922, MedGen C1837342, MONDO:0012127, OMIM 608807.
Dilated cardiomyopathy 1G (CMD1G). Identifiers: Orphanet 154, MedGen C1858763, MONDO:0011400, OMIM 604145.

Submission:

Labcorp Genetics (formerly Invitae), Labcorp
Classification: Likely pathogenic for Dilated cardiomyopathy 1G; Autosomal recessive limb-girdle muscular dystrophy type 2J. Last evaluated: 2025-03-17. Review status: criteria provided, single submitter. Criteria: Invitae Variant Classification Sherloc (09022015). Collection method: clinical testing. Allele origin: germline.
Comment: This sequence change creates a premature translational stop signal (p.Lys24579*) in the TTN gene. While this is not anticipated to result in nonsense mediated decay, it is expected to create a truncated TTN protein. This variant is not present in population databases (gnomAD no frequency). This variant has not been reported in the literature in individuals affected with TTN-related conditions. ClinVar contains an entry for this variant (Variation ID: 2021199). This variant is located in the A band of TTN (PMID: 25589632). Truncating variants in this region are significantly overrepresented in patients affected with dilated cardiomyopathy (PMID: 25589632). Truncating variants in this region have also been reported in individuals affected with autosomal recessive centronuclear myopathy (PMID: 23975875). In summary, the currently available evidence indicates that the variant is pathogenic, but additional data are needed to prove that conclusively. Therefore, this variant has been classified as Likely Pathogenic.

Literature cited by the submitters: PubMed 25589632; PubMed 23975875.